The following is an entry in ClinVar:

ClinVar aggregate classification (germline): Uncertain significance (1 of 4 stars; one submission).

Submission:

Labcorp Genetics (formerly Invitae), Labcorp
Classification: Uncertain significance. Last evaluated: 2023-05-08. Review status: criteria provided, single submitter. Criteria: Invitae Variant Classification Sherloc (09022015). Collection method: clinical testing. Allele origin: germline.
Comment: This sequence change replaces histidine, which is basic and polar, with tyrosine, which is neutral and polar, at codon 296 of the RCBTB1 protein (p.His296Tyr). This variant is not present in population databases (gnomAD no frequency). This variant has not been reported in the literature in individuals affected with RCBTB1-related conditions. ClinVar contains an entry for this variant (Variation ID: 1518710). Advanced modeling of protein sequence and biophysical properties (such as structural, functional, and spatial information, amino acid conservation, physicochemical variation, residue mobility, and thermodynamic stability) performed at Invitae indicates that this missense variant is expected to disrupt RCBTB1 protein function. In summary, the available evidence is currently insufficient to determine the role of this variant in disease. Therefore, it has been classified as a Variant of Uncertain Significance.

NM_018191.4(RCBTB1):c.886C>T (p.His296Tyr)

Gene: RCBTB1 (RCC1 and BTB domain containing protein 1; minus strand). Cytogenetic location: 13q14.2.
Variant type: single nucleotide variant.
Coding change: c.886C>T on transcript NM_018191.4 (MANE Select); coding-DNA position 886, C replaced by T.
Protein change: p.His296Tyr; replaces histidine 296 with tyrosine.
Molecular consequence: missense variant. On other transcripts: non-coding transcript variant (2).
Genome position (GRCh38, 1-based): chr13:49,549,617, G>A on the plus strand (C>T on the coding strand, the complement: RCBTB1 is on the minus strand). VCF-style: chr13-49549617-G-A. GRCh37 (hg19) VCF-style: chr13-50123753-G-A.
Other names: c.886C>T, p.His296Tyr (NM_001352500.2, NM_001352501.2, NM_001352502.2 and 3 more transcripts); c.307C>T, p.His103Tyr (NM_001352506.2); short protein forms H103Y, H296Y.
Identifiers: ClinVar variation 1518710 (VCV001518710.6), dbSNP rs2139171441, ClinGen allele CA388189944.